The following is an entry in ClinVar:

ClinVar aggregate classification (germline): Likely benign (1 of 4 stars; one submission).

Submission:

GeneDx
Classification: Likely benign. Last evaluated: 2016-02-05. Review status: criteria provided, single submitter. Criteria: GeneDx Variant Classification (06012015). Collection method: clinical testing. Allele origin: germline. Affected: yes.
Comment: This variant is considered likely benign or benign based on one or more of the following criteria: it is a conservative change, it occurs at a poorly conserved position in the protein, it is predicted to be benign by multiple in silico algorithms, and/or has population frequency not consistent with disease.

NM_004006.3(DMD):c.2526G>A (p.Leu842=)

Gene: DMD (dystrophin; minus strand). Cytogenetic location: Xp21.1.
Variant type: single nucleotide variant.
Coding change: c.2526G>A on transcript NM_004006.3 (MANE Select); coding-DNA position 2526, G replaced by A.
Protein change: p.Leu842=; no amino-acid change (leucine 842 retained).
Molecular consequence: synonymous variant.
Genome position (GRCh38, 1-based): chrX:32,491,373, C>T on the plus strand (G>A on the coding strand, the complement: DMD is on the minus strand). VCF-style: chrX-32491373-C-T. GRCh37 (hg19) VCF-style: chrX-32509490-C-T.
Other names: c.2502G>A, p.Leu834= (NM_000109.4); c.2514G>A, p.Leu838= (NM_004009.3); c.2157G>A, p.Leu719= (NM_004010.3).
Identifiers: ClinVar variation 383312 (VCV000383312.1), dbSNP rs1057521584, ClinGen allele CA16608902.
Genomic context (GRCh38, chrX:32,491,373, plus strand): 5'-CTCTGATGGGGTGGTGGGTTGGATTTTCAACCAGTTTTCAGCAGTAGTTGTCATCTGCTC[C>T]AATTGTTGTAGCTGATTATAGAAAGCGATGATGTTGTTCTGATACTCCAGCCAGTTAAGT-3'
Protein context (NP_003997.2, residues 832-852): IIAFYNQLQQ[Leu842=]EQMTTTAENW